The following is an entry in ClinVar:

NM_025144.4(ALPK1):c.2029C>T (p.His677Tyr)

Gene: ALPK1 (alpha kinase 1; plus strand). Cytogenetic location: 4q25.
Variant type: single nucleotide variant.
Coding change: c.2029C>T on transcript NM_025144.4 (MANE Select); coding-DNA position 2029, C replaced by T.
Protein change: p.His677Tyr; replaces histidine 677 with tyrosine.
Molecular consequence: missense variant.
Genome position (GRCh38, 1-based): chr4:112,431,576, C>T. VCF-style: chr4-112431576-C-T. GRCh37 (hg19) VCF-style: chr4-113352732-C-T.
Other names: c.2029C>T, p.His677Tyr (NM_001102406.2); c.1795C>T, p.His599Tyr (NM_001253884.2); short protein forms H599Y, H677Y.
Identifiers: ClinVar variation 1719765 (VCV001719765.5), dbSNP rs770931011, ClinGen allele CA357896650.

ClinVar aggregate classification (germline): Uncertain significance (1 of 4 stars; one submission).

gnomAD v4.1: 1 of 1,614,206 alleles (0.000062%); highest among the groups gnomAD compares: Non-Finnish European, 0.000085%; no homozygotes.

Submission:

Labcorp Genetics (formerly Invitae), Labcorp
Classification: Uncertain significance. Last evaluated: 2022-07-19. Review status: criteria provided, single submitter. Criteria: Invitae Variant Classification Sherloc (09022015). Collection method: clinical testing. Allele origin: germline.
Comment: This sequence change replaces histidine, which is basic and polar, with tyrosine, which is neutral and polar, at codon 677 of the ALPK1 protein (p.His677Tyr). This variant is not present in population databases (gnomAD no frequency). This variant has not been reported in the literature in individuals affected with ALPK1-related conditions. Algorithms developed to predict the effect of missense changes on protein structure and function (SIFT, PolyPhen-2, Align-GVGD) all suggest that this variant is likely to be tolerated. In summary, the available evidence is currently insufficient to determine the role of this variant in disease. Therefore, it has been classified as a Variant of Uncertain Significance.